The following is an entry in ClinVar:

NM_002076.4(GNS):c.792+25C>G

Gene: GNS (glucosamine (N-acetyl)-6-sulfatase; minus strand). Cytogenetic location: 12q14.3.
Variant type: single nucleotide variant.
Coding change: c.792+25C>G on transcript NM_002076.4 (MANE Select); 25 bases into the intron after coding-DNA position 792, C replaced by G.
Molecular consequence: intron variant.
Genome position (GRCh38, 1-based): chr12:64,743,116, G>C on the plus strand (C>G on the coding strand, the complement: GNS is on the minus strand). VCF-style: chr12-64743116-G-C. GRCh37 (hg19) VCF-style: chr12-65136896-G-C.
Other names: p.?.
Identifiers: ClinVar variation 4683762 (VCV004683762.1).

ClinVar aggregate classification (germline): Benign (1 of 4 stars; one submission).

gnomAD v4.1: 1,386 of 1,563,450 alleles (0.089%); highest among the groups gnomAD compares: African/African-American, 1.7%; 8 homozygotes.

Submission:

Mayo Clinic Laboratories, Mayo Clinic
Classification: Benign. Last evaluated: 2025-03-12. Review status: criteria provided, single submitter. Criteria: ACMG Guidelines, 2015. Collection method: clinical testing. Allele origin: germline. Observed: 1 variant allele.
Comment: BA1, BP4, BP7